The following is an entry in ClinVar:

ClinVar aggregate classification (germline): Benign (1 of 4 stars; one submission).

Allele frequency attached by ClinVar (database versions not stated): gnomAD exomes 0.66887; gnomAD 0.73544 and 0.73619; TOPMed 0.75484; 1000 Genomes Project 30x 0.80200; 1000 Genomes Project 0.80531.
gnomAD v4.1: 755,590 of 1,112,890 alleles (68%); highest among the groups gnomAD compares: African/African-American, 89%; 260,512 homozygotes.

Submission:

GeneDx
Classification: Benign. Last evaluated: 2018-06-14. Review status: criteria provided, single submitter. Criteria: GeneDx Variant Classification (06012015). Collection method: clinical testing. Allele origin: germline. Affected: yes.
Comment: This variant is considered likely benign or benign based on one or more of the following criteria: it is a conservative change, it occurs at a poorly conserved position in the protein, it is predicted to be benign by multiple in silico algorithms, and/or has population frequency not consistent with disease.

NM_032119.4(ADGRV1):c.9448-73C>T

Gene: ADGRV1 (adhesion G protein-coupled receptor V1; plus strand). Cytogenetic location: 5q14.3.
Variant type: single nucleotide variant.
Coding change: c.9448-73C>T on transcript NM_032119.4 (MANE Select); 73 bases into the intron before coding-DNA position 9448, C replaced by T.
Molecular consequence: intron variant.
Genome position (GRCh38, 1-based): chr5:90,719,975, C>T. VCF-style: chr5-90719975-C-T. GRCh37 (hg19) VCF-style: chr5-90015792-C-T.
Identifiers: ClinVar variation 674381 (VCV000674381.1), dbSNP rs6881412, ClinGen allele CA12118956.
Genomic context (GRCh38, chr5:90,719,975, plus strand): 5'-GTATTAAATCAAAGTGAGATGATATTTTTCAAAACATGCTATTTTGTTGTCAGAAATGTT[C>T]AGTAGATTTCGCTATATATGTGTTACAAAAATACTGTATTCTAGTAACCTTATCTTTTGA-3'